The following is an entry in ClinVar:

NM_001040142.2(SCN2A):c.4609A>G (p.Ile1537Val)

Gene: SCN2A (sodium voltage-gated channel alpha subunit 2; plus strand). Cytogenetic location: 2q24.3.
Variant type: single nucleotide variant.
Coding change: c.4609A>G on transcript NM_001040142.2 (MANE Select); coding-DNA position 4609, A replaced by G.
Protein change: p.Ile1537Val; replaces isoleucine 1537 with valine.
Molecular consequence: missense variant.
Genome position (GRCh38, 1-based): chr2:165,386,803, A>G. VCF-style: chr2-165386803-A-G. GRCh37 (hg19) VCF-style: chr2-166243313-A-G.
Other names: c.4609A>G, p.Ile1537Val (NM_001040143.2, NM_001371246.1, NM_001371247.1 and 1 more transcripts); short protein forms I1537V.
Identifiers: ClinVar variation 3364555 (VCV003364555.1).

ClinVar aggregate classification (germline): Uncertain significance (1 of 4 stars; one submission).

gnomAD v4.1: 1 of 1,613,922 alleles (0.000062%); highest among the groups gnomAD compares: Non-Finnish European, 0.000085%; no homozygotes.

Submission:

GeneDx
Classification: Uncertain significance. Last evaluated: 2023-11-18. Review status: criteria provided, single submitter. Criteria: GeneDx Variant Classification Process June 2021. Collection method: clinical testing. Allele origin: germline. Affected: yes.
Comment: Not observed at significant frequency in large population cohorts (gnomAD); Missense variants in this gene are a common cause of disease and they are underrepresented in the general population; Different missense changes at this residue p.(I1537F), p.(I1537S), and p.(I1537M) have been reported as likely pathogenic and variant of uncertain significance at GeneDx; In silico analysis supports that this missense variant does not alter protein structure/function; This substitution is predicted to be within the transmembrane segment S1 of the fourth homologous domain; Has not been previously published as pathogenic or benign to our knowledge